The following is an entry in ClinVar:

ClinVar aggregate classification (germline): Likely pathogenic (1 of 4 stars; one submission).

Conditions:
Marfan Syndrome/Loeys-Dietz Syndrome/Familial Thoracic Aortic Aneurysms and Dissections. Identifiers: MedGen CN229799.

Submission:

Women's Health and Genetics/Laboratory Corporation of America, LabCorp
Classification: Likely pathogenic for Marfan Syndrome/Loeys-Dietz Syndrome/Familial Thoracic Aortic Aneurysms and Dissections. Last evaluated: 2018-07-09. Review status: criteria provided, single submitter. Criteria: LabCorp Variant Classification Summary - May 2015. Collection method: clinical testing. Allele origin: germline.
Comment: Variant summary: FBN1 c.8359_8360delCT (p.Leu2787AspfsX13) results in a premature termination codon, predicted to cause a truncation of the encoded protein or absence of the protein due to nonsense mediated decay, which are commonly known mechanisms for disease. Truncations downstream of this position have been classified as likely pathogenic by our laboratory (eg. c.8391_8392delTG (p.Gly2798fsX2) and c.8443delC (p.Leu2815fsX31)). The variant was absent in 246190 control chromosomes (gnomAD). To our knowledge, no occurrence of c.8359_8360delCT in individuals affected with Marfan Syndrome and no experimental evidence demonstrating its impact on protein function have been reported. No clinical diagnostic laboratories have submitted clinical-significance assessments for this variant to ClinVar after 2014. Based on the evidence outlined above, the variant was classified as likely pathogenic.

NM_000138.5(FBN1):c.8359_8360del (p.Leu2787fs)

Gene: FBN1 (fibrillin 1; minus strand). Cytogenetic location: 15q21.1.
Variant type: Microsatellite.
Coding change: c.8359_8360del on transcript NM_000138.5 (MANE Select); coding-DNA positions 8359 to 8360, 2 bases deleted (CT; older notation c.8359_8360delCT).
Protein change: p.Leu2787fs; shifts the reading frame from leucine 2787.
Molecular consequence: frameshift variant.
Genome position (GRCh38, 1-based): chr15:48,411,246-48,411,247, AG deleted on the plus strand (CT on the coding strand, the reverse complement: FBN1 is on the minus strand); deleting any 2 consecutive bases within chr15:48,411,246-48,411,249 gives the same sequence; the c. name uses the placement nearest the transcript's 3' end. VCF-style (leftmost placement, unchanged base first): chr15-48411245-CAG-C. GRCh37 (hg19) VCF-style: chr15-48703442-CAG-C.
Other names: c.8359_8360delCT (NM_000138.4); short protein forms L2787fs.
Identifiers: ClinVar variation 632811 (VCV000632811.1), dbSNP rs1597506811, ClinGen allele CA913191259.